The following is an entry in ClinVar:

ClinVar aggregate classification (germline): Likely benign (1 of 4 stars; one submission).

gnomAD v4.1: 39 of 1,189,124 alleles (0.0033%); highest among the groups gnomAD compares: Middle Eastern, 0.048%; no homozygotes.

Submission:

CeGaT Center for Human Genetics Tuebingen
Classification: Likely benign. Last evaluated: 2025-04-01. Review status: criteria provided, single submitter. Criteria: CeGaT Center For Human Genetics Tuebingen Variant Classification Criteria Version 2. Collection method: clinical testing. Allele origin: germline. Affected: yes. Observed: 1 variant allele.
Comment: BCORL1: BP4, BS2

NM_001379451.1(BCORL1):c.5071C>T (p.Arg1691Cys)

Gene: BCORL1 (BCL6 corepressor like 1; plus strand). Cytogenetic location: Xq26.1.
Variant type: single nucleotide variant.
Coding change: c.5071C>T on transcript NM_001379451.1 (MANE Select); coding-DNA position 5071, C replaced by T.
Protein change: p.Arg1691Cys; replaces arginine 1691 with cysteine.
Molecular consequence: missense variant.
Genome position (GRCh38, 1-based): chrX:130,052,012, C>T. VCF-style: chrX-130052012-C-T. GRCh37 (hg19) VCF-style: chrX-129185987-C-T.
Other names: c.5071C>T, p.Arg1691Cys (NM_001184772.3, NM_001379450.1); c.4849C>T, p.Arg1617Cys (NM_021946.5); short protein forms R1617C, R1691C.
Identifiers: ClinVar variation 3898405 (VCV003898405.7).